The following is an entry in ClinVar:

NM_006950.3(SYN1):c.1056-14_1056-8del

Gene: SYN1 (synapsin I; minus strand). Cytogenetic location: Xp11.3.
Variant type: Deletion.
Coding change: c.1056-14_1056-8del on transcript NM_006950.3 (MANE Select); 14 bases into the intron before coding-DNA position 1056 through 8 bases into the intron before coding-DNA position 1056, 7 bases deleted (CTTTGTC; older notation c.1056-14_1056-8delCTTTGTC).
Molecular consequence: intron variant.
Genome position (GRCh38, 1-based): chrX:47,576,241-47,576,247, GACAAAG deleted on the plus strand (CTTTGTC on the coding strand, the reverse complement: SYN1 is on the minus strand); deleting any 7 consecutive bases within chrX:47,576,241-47,576,248 gives the same sequence; the c. name uses the placement nearest the transcript's 3' end. VCF-style (leftmost placement, unchanged base first): chrX-47576240-AGACAAAG-A. GRCh37 (hg19) VCF-style: chrX-47435639-AGACAAAG-A.
Other names: NC_000023.10:g.47435641_47435647del; c.1056-14_1056-8delCTTTGTC (NM_133499.2); c.1056-14_1056-8del7 (NM_006950.3); c.1056-14_1056-8del (NM_133499.2); c.1056-15_1056-9del (NM_006950.3).
Identifiers: ClinVar variation 199183 (VCV000199183.25), dbSNP rs377385507, ClinGen allele CA303084.

ClinVar aggregate classification (germline): Benign. Review status: criteria provided, multiple submitters, no conflicts (2 of 4 stars). 5 submissions from 5 submitters: Benign (4). 1 of the submissions does not count toward it. Last evaluated 2026-01-28.

Conditions:
SYN1-related disorder. Also called: SYN1-related condition; SYN1-Related Disorders.
Epilepsy, X-linked 1, with variable learning disabilities and behavior disorders. Also called: X-linked epilepsy-learning disabilities-behavior disorders syndrome. Identifiers: Orphanet 85294, MedGen C5774177, MONDO:0010339, OMIM 300491.

Submissions (6):

Labcorp Genetics (formerly Invitae), Labcorp
Classification: Benign for Epilepsy, X-linked 1, with variable learning disabilities and behavior disorders. Last evaluated: 2026-01-28. Review status: criteria provided, single submitter. Criteria: Invitae Variant Classification Sherloc (09022015). Collection method: clinical testing. Allele origin: germline.

Athena Diagnostics
Classification: Benign. Last evaluated: 2017-12-11. Review status: criteria provided, single submitter. Criteria: Athena Diagnostics Criteria. Collection method: clinical testing. Allele origin: germline.

GeneDx
Classification: Benign. Last evaluated: 2015-06-16. Review status: criteria provided, single submitter. Criteria: GeneDx Variant Classification (06012015). Collection method: clinical testing. Allele origin: germline. Affected: yes.
Comment: This variant is considered likely benign or benign based on one or more of the following criteria: it is a conservative change, it occurs at a poorly conserved position in the protein, it is predicted to be benign by multiple in silico algorithms, and/or has population frequency not consistent with disease.

Eurofins Ntd Llc (ga)
Classification: Benign. Last evaluated: 2014-11-30. Review status: criteria provided, single submitter. Criteria: EGL Classification Definitions 2015. Collection method: clinical testing. Allele origin: germline. Observed: 2 variant alleles, 2 heterozygotes.

PreventionGenetics, part of Exact Sciences
Classification: Benign for SYN1-related condition. Last evaluated: 2019-08-09. Review status: no assertion criteria provided. Collection method: clinical testing. Allele origin: germline. Not counted in ClinVar's aggregate classification.
Comment: This variant is classified as benign based on ACMG/AMP sequence variant interpretation guidelines (Richards et al. 2015 PMID: 25741868, with internal and published modifications).

Dr. Peter K. Rogan Lab, Western University
No classification provided (evidence only). Condition: Cholangiocarcinoma. Review status: no classification provided. Collection method: in vitro. Allele origin: not applicable. Functional consequence: retained intron. Not counted in ClinVar's aggregate classification.